The following is an entry in ClinVar:

ClinVar aggregate classification (germline): Uncertain significance (1 of 4 stars; one submission).

Conditions:
Epileptic encephalopathy. Identifiers: MedGen C0543888, HP:0200134.

gnomAD v4.1: 3 of 1,487,176 alleles (0.0002%); highest among the groups gnomAD compares: East Asian, 0.0027%; no homozygotes.

Submission:

Labcorp Genetics (formerly Invitae), Labcorp
Classification: Uncertain significance for Epileptic encephalopathy. Last evaluated: 2025-11-25. Review status: criteria provided, single submitter. Criteria: Invitae Variant Classification Sherloc (09022015). Collection method: clinical testing. Allele origin: germline.
Comment: This sequence change replaces alanine, which is neutral and non-polar, with threonine, which is neutral and polar, at codon 902 of the GABBR2 protein (p.Ala902Thr). The frequency data for this variant in the population databases is considered unreliable, as metrics indicate poor data quality at this position in the gnomAD database. This variant has not been reported in the literature in individuals affected with GABBR2-related conditions. ClinVar contains an entry for this variant (Variation ID: 3694913). An algorithm developed to predict the effect of missense changes on protein structure and function (PolyPhen-2) suggests that this variant is likely to be disruptive. In summary, the available evidence is currently insufficient to determine the role of this variant in disease. Therefore, it has been classified as a Variant of Uncertain Significance.

NM_005458.8(GABBR2):c.2704G>A (p.Ala902Thr)

Gene: GABBR2 (gamma-aminobutyric acid type B receptor subunit 2; minus strand). Cytogenetic location: 9q22.33.
Variant type: single nucleotide variant.
Coding change: c.2704G>A on transcript NM_005458.8 (MANE Select); coding-DNA position 2704, G replaced by A.
Protein change: p.Ala902Thr; replaces alanine 902 with threonine.
Molecular consequence: missense variant.
Genome position (GRCh38, 1-based): chr9:98,290,706, C>T on the plus strand (G>A on the coding strand, the complement: GABBR2 is on the minus strand). VCF-style: chr9-98290706-C-T. GRCh37 (hg19) VCF-style: chr9-101052988-C-T.
Other names: short protein forms A902T.
Identifiers: ClinVar variation 3694913 (VCV003694913.2).